The following is an entry in ClinVar:

ClinVar aggregate classification (germline): Uncertain significance (1 of 4 stars; one submission).

Allele frequency attached by ClinVar (database versions not stated): gnomAD exomes below 0.00001.
gnomAD v4.1: 1 of 1,614,034 alleles (0.000062%); highest among the groups gnomAD compares: Non-Finnish European, 0.000085%; no homozygotes.

Submission:

GeneDx
Classification: Uncertain significance. Last evaluated: 2023-05-03. Review status: criteria provided, single submitter. Criteria: GeneDx Variant Classification Process June 2021. Collection method: clinical testing. Allele origin: germline. Affected: yes.
Comment: Not observed at significant frequency in large population cohorts (gnomAD); In silico analysis supports that this missense variant does not alter protein structure/function; Has not been previously published as pathogenic or benign to our knowledge

NM_001080517.3(SETD5):c.4156T>G (p.Leu1386Val)

Gene: SETD5 (SET domain containing 5; plus strand). Cytogenetic location: 3p25.3.
Variant type: single nucleotide variant.
Coding change: c.4156T>G on transcript NM_001080517.3 (MANE Select); coding-DNA position 4156, T replaced by G.
Protein change: p.Leu1386Val; replaces leucine 1386 with valine.
Molecular consequence: missense variant.
Genome position (GRCh38, 1-based): chr3:9,475,918, T>G. VCF-style: chr3-9475918-T-G. GRCh37 (hg19) VCF-style: chr3-9517602-T-G.
Other names: c.3862T>G, p.Leu1288Val (NM_001292043.2, NM_001349451.2); short protein forms L1288V, L1386V.
Identifiers: ClinVar variation 2661992 (VCV002661992.1), dbSNP rs2473991542, ClinGen allele CA351694563.